The following is an entry in ClinVar:

NM_005188.4(CBL):c.1594C>G (p.Pro532Ala)

Gene: CBL (Cbl proto-oncogene; plus strand). Cytogenetic location: 11q23.3.
Variant type: single nucleotide variant.
Coding change: c.1594C>G on transcript NM_005188.4 (MANE Select); coding-DNA position 1594, C replaced by G.
Protein change: p.Pro532Ala; replaces proline 532 with alanine.
Molecular consequence: missense variant.
Genome position (GRCh38, 1-based): chr11:119,285,219, C>G. VCF-style: chr11-119285219-C-G. GRCh37 (hg19) VCF-style: chr11-119155929-C-G.
Other names: short protein forms P532A.
Identifiers: ClinVar variation 4827367 (VCV004827367.1).

ClinVar aggregate classification (germline): Uncertain significance (1 of 4 stars; one submission).

Conditions:
Cardiovascular phenotype. Identifiers: MedGen CN230736.

Submission:

Ambry Genetics
Classification: Uncertain significance for Cardiovascular phenotype. Last evaluated: 2026-03-03. Review status: criteria provided, single submitter. Criteria: Ambry Variant Classification Scheme 2023. Collection method: clinical testing. Allele origin: germline.
Comment: The p.P532A variant (also known as c.1594C>G), located in coding exon 11 of the CBL gene, results from a C to G substitution at nucleotide position 1594. The proline at codon 532 is replaced by alanine, an amino acid with highly similar properties. This amino acid position is conserved. In addition, the in silico prediction for this alteration is inconclusive. Based on the available evidence, the clinical significance of this variant remains unclear.